The following is an entry in ClinVar:

ClinVar aggregate classification (germline): Uncertain significance. Review status: criteria provided, multiple submitters, no conflicts (2 of 4 stars). 3 submissions from 3 submitters: Uncertain significance (2). 1 of the submissions does not count toward it. Last evaluated 2024-12-09.

Conditions:
Inborn genetic diseases. Identifiers: MedGen C0950123, MeSH D030342.
Laryngo-onycho-cutaneous syndrome (JEB2C). Also called: SHABBIR SYNDROME; LOGIC SYNDROME; EPIDERMOLYSIS BULLOSA, JUNCTIONAL 2C, LARYNGOONYCHOCUTANEOUS. Identifiers: Orphanet 2407, MedGen C1328355, MONDO:0009513, OMIM 245660.
Epidermolysis bullosa, junctional 2A, intermediate. Also called: EPIDERMOLYSIS BULLOSA, JUNCTIONAL 2A, GENERALIZED INTERMEDIATE; EPIDERMOLYSIS BULLOSA, JUNCTIONAL 2A, NON-HERLITZ TYPE. Identifiers: MedGen C5676936, MONDO:0030746, OMIM 619783.
Epidermolysis bullosa, junctional 2B, severe. Also called: EPIDERMOLYSIS BULLOSA, JUNCTIONAL 2B, GENERALIZED SEVERE; EPIDERMOLYSIS BULLOSA, JUNCTIONAL 2B, HERLITZ TYPE. Identifiers: MedGen C5676937, MONDO:0030747, OMIM 619784.
Junctional epidermolysis bullosa gravis of Herlitz. Also called: EPIDERMOLYSIS BULLOSA JUNCTIONALIS, HERLITZ TYPE; EPIDERMOLYSIS BULLOSA, JUNCTIONAL, HERLITZ-PEARSON TYPE; Epidermolysis Bullosa Letalis; Herlitz-type junctional epidermolysis bullosa; JEB-HERLITZ TYPE; EPIDERMOLYSIS BULLOSA, JUNCTIONAL 1B, SEVERE. Identifiers: Orphanet 79404, MedGen C0079683, MONDO:0009182, OMIM 226700.

Allele frequency attached by ClinVar (database versions not stated): gnomAD 0.00004; gnomAD exomes 0.00004 and 0.00009; TOPMed 0.00005; ExAC 0.00008; ESP Exome Variant Server 0.00008.
gnomAD v4.1: 66 of 1,614,104 alleles (0.0041%); highest among the groups gnomAD compares: African/African-American, 0.0013%; no homozygotes.

Submissions (3):

Ambry Genetics
Classification: Uncertain significance for Inborn genetic diseases. Last evaluated: 2024-12-09. Review status: criteria provided, single submitter. Criteria: Ambry Variant Classification Scheme 2023. Collection method: clinical testing. Allele origin: germline.

Fulgent Genetics
Classification: Uncertain significance for Junctional epidermolysis bullosa gravis of Herlitz; Laryngo-onycho-cutaneous syndrome; Epidermolysis bullosa, junctional 2A, intermediate; Epidermolysis bullosa, junctional 2B, severe. Last evaluated: 2022-04-22. Review status: criteria provided, single submitter. Criteria: ACMG Guidelines, 2015. Collection method: clinical testing. Allele origin: unknown.

Department of Pathology and Laboratory Medicine, Sinai Health System
Classification: Uncertain significance. Review status: no assertion criteria provided. Collection method: clinical testing. Allele origin: unknown. Affected: yes. Study: The Canadian Open Genetics Repository (COGR). Not counted in ClinVar's aggregate classification.
Comment: The LAMA3 p.Thr1433Ala variant was not identified in the literature nor was it identified in ClinVar. The variant was identified in dbSNP (ID: rs377141415) and in control databases in 22 of 249546 chromosomes at a frequency of 0.00008816 (Genome Aggregation Database March 6, 2019, v2.1.1). The variant was observed in the following populations: Ashkenazi Jewish in 18 of 10070 chromosomes (freq: 0.001787), Other in 2 of 6064 chromosomes (freq: 0.00033) and European (non-Finnish) in 2 of 113258 chromosomes (freq: 0.000018), but was not observed in the African, Latino, East Asian, European (Finnish), or South Asian populations. The p.Thr1433 residue is not conserved in mammals and computational analyses (PolyPhen-2, SIFT, AlignGVGD, BLOSUM, MutationTaster) do not suggest a high likelihood of impact to the protein; however, this information is not predictive enough to rule out pathogenicity. The variant occurs outside of the splicing consensus sequence and in silico or computational prediction software programs (SpliceSiteFinder, MaxEntScan, NNSPLICE, GeneSplicer) do not predict a difference in splicing. In summary, based on the above information the clinical significance of this variant cannot be determined with certainty at this time. This variant is classified as a variant of uncertain significance.

NM_198129.4(LAMA3):c.4297A>G (p.Thr1433Ala)

Gene: LAMA3 (laminin subunit alpha 3; plus strand). Cytogenetic location: 18q11.2.
Variant type: single nucleotide variant.
Coding change: c.4297A>G on transcript NM_198129.4 (MANE Select); coding-DNA position 4297, A replaced by G.
Protein change: p.Thr1433Ala; replaces threonine 1433 with alanine.
Molecular consequence: missense variant.
Genome position (GRCh38, 1-based): chr18:23,858,704, A>G. VCF-style: chr18-23858704-A-G. GRCh37 (hg19) VCF-style: chr18-21438668-A-G.
Other names: c.4297A>G, p.Thr1433Ala (NM_001127717.4); c.4297A>G (NM_198129.1); short protein forms T1433A.
Identifiers: ClinVar variation 1049399 (VCV001049399.3), dbSNP rs377141415, ClinGen allele CA8915577.